The following is an entry in ClinVar:

NM_001365480.1(CCDC88A):c.3911C>A (p.Thr1304Asn)

Gene: CCDC88A (coiled-coil domain containing 88A; minus strand). Cytogenetic location: 2p16.1.
Variant type: single nucleotide variant.
Coding change: c.3911C>A on transcript NM_001365480.1 (MANE Select); coding-DNA position 3911, C replaced by A.
Protein change: p.Thr1304Asn; replaces threonine 1304 with asparagine.
Molecular consequence: missense variant.
Genome position (GRCh38, 1-based): chr2:55,315,950, G>T on the plus strand (C>A on the coding strand, the complement: CCDC88A is on the minus strand). VCF-style: chr2-55315950-G-T. GRCh37 (hg19) VCF-style: chr2-55543086-G-T.
Other names: c.3908C>A, p.Thr1303Asn (NM_001135597.2, NM_001254943.2); c.3911C>A, p.Thr1304Asn (NM_018084.5); short protein forms T1304N, T1303N.
Identifiers: ClinVar variation 1904689 (VCV001904689.3), dbSNP rs757539488, ClinGen allele CA1665669.

ClinVar aggregate classification (germline): Uncertain significance. Review status: criteria provided, multiple submitters, no conflicts (2 of 4 stars). 2 submissions from 2 submitters: Uncertain significance (2). Last evaluated 2022-08-16.

Allele frequency attached by ClinVar (database versions not stated): gnomAD 0.00001; TOPMed 0.00001; ExAC 0.00006; gnomAD exomes 0.00006.
gnomAD v4.1: 87 of 1,560,770 alleles (0.0056%); highest among the groups gnomAD compares: Non-Finnish European, 0.0066%; no homozygotes.

Submissions (2):

Labcorp Genetics (formerly Invitae), Labcorp
Classification: Uncertain significance. Last evaluated: 2022-08-16. Review status: criteria provided, single submitter. Criteria: Invitae Variant Classification Sherloc (09022015). Collection method: clinical testing. Allele origin: germline.
Comment: This sequence change replaces threonine, which is neutral and polar, with asparagine, which is neutral and polar, at codon 1303 of the CCDC88A protein (p.Thr1303Asn). This variant is present in population databases (rs757539488, gnomAD 0.008%). This variant has not been reported in the literature in individuals affected with CCDC88A-related conditions. Algorithms developed to predict the effect of missense changes on protein structure and function are either unavailable or do not agree on the potential impact of this missense change (SIFT: "Tolerated"; PolyPhen-2: "Possibly Damaging"; Align-GVGD: "Class C0"). In summary, the available evidence is currently insufficient to determine the role of this variant in disease. Therefore, it has been classified as a Variant of Uncertain Significance.

Ambry Genetics
Classification: Uncertain significance. Last evaluated: 2021-10-13. Review status: criteria provided, single submitter. Criteria: Ambry Variant Classification Scheme 2023. Collection method: clinical testing. Allele origin: germline.